The following is an entry in ClinVar:

NM_002900.3(RBP3):c.2523C>G (p.Tyr841Ter)

Gene: RBP3 (retinol binding protein 3; plus strand). Cytogenetic location: 10q11.22.
Variant type: single nucleotide variant.
Coding change: c.2523C>G on transcript NM_002900.3 (MANE Select); coding-DNA position 2523, C replaced by G.
Protein change: p.Tyr841Ter; replaces tyrosine 841 with a stop codon.
Molecular consequence: nonsense.
Genome position (GRCh38, 1-based): chr10:47,351,007, C>G. VCF-style: chr10-47351007-C-G. GRCh37 (hg19) VCF-style: chr10-48388355-G-C.
Other names: short protein forms Y841*.
Identifiers: ClinVar variation 865981 (VCV000865981.10), dbSNP rs781881541, ClinGen allele CA206465126.

ClinVar aggregate classification (germline): Pathogenic/Likely pathogenic. Review status: criteria provided, multiple submitters, no conflicts (2 of 4 stars). 2 submissions from 2 submitters: Pathogenic (1); Likely pathogenic (1). Last evaluated 2023-03-22.

Conditions:
RBP3-related disorder. Also called: RBP3-related condition.

Allele frequency attached by ClinVar (database versions not stated): TOPMed below 0.00001; gnomAD 0.00001.

Submissions (2):

Labcorp Genetics (formerly Invitae), Labcorp
Classification: Pathogenic. Last evaluated: 2023-03-22. Review status: criteria provided, single submitter. Criteria: Invitae Variant Classification Sherloc (09022015). Collection method: clinical testing. Allele origin: germline.
Comment: This sequence change creates a premature translational stop signal (p.Tyr841*) in the RBP3 gene. It is expected to result in an absent or disrupted protein product. Loss-of-function variants in RBP3 are known to be pathogenic (PMID: 9614228, 23105016, 25766589). This variant is not present in population databases (gnomAD no frequency). This variant has not been reported in the literature in individuals affected with RBP3-related conditions. ClinVar contains an entry for this variant (Variation ID: 865981). For these reasons, this variant has been classified as Pathogenic.

Blueprint Genetics
Classification: Likely pathogenic for RBP3-related disorders. Last evaluated: 2019-07-21. Review status: criteria provided, single submitter. Criteria: ACMG Guidelines, 2015. Collection method: clinical testing. Allele origin: germline. Affected: yes. Observed: 1 variant allele.

Literature cited by the submitters: PubMed 9614228 (cited by Labcorp Genetics (formerly Invitae), Labcorp); PubMed 23105016 (cited by Labcorp Genetics (formerly Invitae), Labcorp); PubMed 25766589 (cited by Labcorp Genetics (formerly Invitae), Labcorp).